The following is an entry in ClinVar:

ClinVar aggregate classification (germline): Uncertain significance. Review status: criteria provided, multiple submitters, no conflicts (2 of 4 stars). 2 submissions from 2 submitters: Uncertain significance (2). Last evaluated 2024-09-27.

Conditions:
Inborn genetic diseases. Identifiers: MedGen C0950123, MeSH D030342.

gnomAD v4.1: 32 of 1,606,952 alleles (0.002%); highest among the groups gnomAD compares: Admixed American, 0.053%; 1 homozygote.

Submissions (2):

Ambry Genetics
Classification: Uncertain significance for Inborn genetic diseases. Last evaluated: 2024-09-27. Review status: criteria provided, single submitter. Criteria: Ambry Variant Classification Scheme 2023. Collection method: clinical testing. Allele origin: germline.

Labcorp Genetics (formerly Invitae), Labcorp
Classification: Uncertain significance. Last evaluated: 2024-04-08. Review status: criteria provided, single submitter. Criteria: Invitae Variant Classification Sherloc (09022015). Collection method: clinical testing. Allele origin: germline.
Comment: This sequence change replaces proline, which is neutral and non-polar, with leucine, which is neutral and non-polar, at codon 2581 of the DCHS1 protein (p.Pro2581Leu). This variant is present in population databases (no rsID available, gnomAD 0.03%). This variant has not been reported in the literature in individuals affected with DCHS1-related conditions. Advanced modeling of protein sequence and biophysical properties (such as structural, functional, and spatial information, amino acid conservation, physicochemical variation, residue mobility, and thermodynamic stability) performed at Invitae indicates that this missense variant is not expected to disrupt DCHS1 protein function with a negative predictive value of 95%. In summary, the available evidence is currently insufficient to determine the role of this variant in disease. Therefore, it has been classified as a Variant of Uncertain Significance.

NM_003737.4(DCHS1):c.7742C>T (p.Pro2581Leu)

Gene: DCHS1 (dachsous cadherin-related 1; minus strand). Cytogenetic location: 11p15.4.
Variant type: single nucleotide variant.
Coding change: c.7742C>T on transcript NM_003737.4 (MANE Select); coding-DNA position 7742, C replaced by T.
Protein change: p.Pro2581Leu; replaces proline 2581 with leucine.
Molecular consequence: missense variant.
Genome position (GRCh38, 1-based): chr11:6,623,934, G>A on the plus strand (C>T on the coding strand, the complement: DCHS1 is on the minus strand). VCF-style: chr11-6623934-G-A. GRCh37 (hg19) VCF-style: chr11-6645165-G-A.
Other names: short protein forms P2581L.
Identifiers: ClinVar variation 3500037 (VCV003500037.3).